The following is an entry in ClinVar:

NM_032608.7(MYO18B):c.2165C>T (p.Ser722Leu)

Gene: MYO18B (myosin XVIIIB; plus strand). Cytogenetic location: 22q12.1.
Variant type: single nucleotide variant.
Coding change: c.2165C>T on transcript NM_032608.7 (MANE Select); coding-DNA position 2165, C replaced by T.
Protein change: p.Ser722Leu; replaces serine 722 with leucine.
Molecular consequence: missense variant.
Genome position (GRCh38, 1-based): chr22:25,780,152, C>T. VCF-style: chr22-25780152-C-T. GRCh37 (hg19) VCF-style: chr22-26176119-C-T.
Other names: c.2165C>T, p.Ser722Leu (NM_001318245.2); c.2165C>T (NM_032608.5); short protein forms S722L.
Identifiers: ClinVar variation 1513187 (VCV001513187.9), dbSNP rs764093545, ClinGen allele CA10160068.
Genomic context (GRCh38, chr22:25,780,152, plus strand): 5'-CCTTCGGCTCTGTGTCCATGGCCCACAGCCGCAGTGCCACCCGGTTCTCCATGGTGATGT[C>T]GCTGGACTTCAACGCTACAGGCCGCATCACAGCTGCTCAGCTCCAGGTGAGGCCTCTCGG-3'
Protein context (NP_115997.5, residues 712-732): RSATRFSMVM[Ser722Leu]LDFNATGRIT

ClinVar aggregate classification (germline): Uncertain significance. Review status: criteria provided, multiple submitters, no conflicts (2 of 4 stars). 2 submissions from 2 submitters: Uncertain significance (2). Last evaluated 2021-12-03.

Conditions:
Inborn genetic diseases. Identifiers: MedGen C0950123, MeSH D030342.

Allele frequency attached by ClinVar (database versions not stated): gnomAD exomes 0.00001 and 0.00002; TOPMed 0.00002; ExAC 0.00003; gnomAD 0.00003 and 0.00004.
gnomAD v4.1: 19 of 1,606,740 alleles (0.0012%); highest among the groups gnomAD compares: South Asian, 0.0034%; no homozygotes.

Submissions (2):

Ambry Genetics
Classification: Uncertain significance for Inborn genetic diseases. Last evaluated: 2021-12-03. Review status: criteria provided, single submitter. Criteria: Ambry Variant Classification Scheme 2023. Collection method: clinical testing. Allele origin: germline.

Labcorp Genetics (formerly Invitae), Labcorp
Classification: Uncertain significance. Last evaluated: 2021-02-24. Review status: criteria provided, single submitter. Criteria: Invitae Variant Classification Sherloc (09022015). Collection method: clinical testing. Allele origin: germline.
Comment: This variant has not been reported in the literature in individuals with MYO18B-related conditions. This variant is present in population databases (rs764093545, ExAC 0.009%). This sequence change replaces serine with leucine at codon 722 of the MYO18B protein (p.Ser722Leu). The serine residue is moderately conserved and there is a large physicochemical difference between serine and leucine. Algorithms developed to predict the effect of missense changes on protein structure and function are either unavailable or do not agree on the potential impact of this missense change (SIFT: "Not Available"; PolyPhen-2: "Possibly Damaging"; Align-GVGD: "Not Available"). In summary, the available evidence is currently insufficient to determine the role of this variant in disease. Therefore, it has been classified as a Variant of Uncertain Significance.